The following is an entry in ClinVar:

NM_001160372.4(TRAPPC9):c.2031C>G (p.Asn677Lys)

Gene: TRAPPC9 (trafficking protein particle complex subunit 9; minus strand). Cytogenetic location: 8q24.3.
Variant type: single nucleotide variant.
Coding change: c.2031C>G on transcript NM_001160372.4 (MANE Select); coding-DNA position 2031, C replaced by G.
Protein change: p.Asn677Lys; replaces asparagine 677 with lysine.
Molecular consequence: missense variant. On other transcripts: non-coding transcript variant (1).
Genome position (GRCh38, 1-based): chr8:140,283,972, G>C on the plus strand (C>G on the coding strand, the complement: TRAPPC9 is on the minus strand). VCF-style: chr8-140283972-G-C. GRCh37 (hg19) VCF-style: chr8-141294071-G-C.
Other names: c.2004C>G, p.Asn668Lys (NM_001321646.2); c.2052C>G, p.Asn684Lys (NM_001374682.1); c.2031C>G, p.Asn677Lys (NM_001374683.1, NM_031466.8); c.1887C>G, p.Asn629Lys (NM_001374684.1); short protein forms N629K, N668K, N677K, N684K.
Identifiers: ClinVar variation 2059217 (VCV002059217.1), dbSNP rs778380217, ClinGen allele CA4893216.

ClinVar aggregate classification (germline): Uncertain significance (1 of 4 stars; one submission).

Allele frequency attached by ClinVar (database versions not stated): ExAC 0.00003; gnomAD 0.00007; TOPMed 0.00008; gnomAD exomes 0.00019.
gnomAD v4.1: 273 of 1,614,042 alleles (0.017%); highest among the groups gnomAD compares: Non-Finnish European, 0.023%; no homozygotes.

Submission:

Labcorp Genetics (formerly Invitae), Labcorp
Classification: Uncertain significance. Last evaluated: 2022-02-27. Review status: criteria provided, single submitter. Criteria: Invitae Variant Classification Sherloc (09022015). Collection method: clinical testing. Allele origin: germline.
Comment: This sequence change replaces asparagine, which is neutral and polar, with lysine, which is basic and polar, at codon 775 of the TRAPPC9 protein (p.Asn775Lys). This variant is present in population databases (rs778380217, gnomAD 0.008%). This variant has not been reported in the literature in individuals affected with TRAPPC9-related conditions. Algorithms developed to predict the effect of missense changes on protein structure and function are either unavailable or do not agree on the potential impact of this missense change (SIFT: "Not Available"; PolyPhen-2: "Benign"; Align-GVGD: "Not Available"). In summary, the available evidence is currently insufficient to determine the role of this variant in disease. Therefore, it has been classified as a Variant of Uncertain Significance.